The following is an entry in ClinVar:

ClinVar aggregate classification (germline): Uncertain significance. Review status: criteria provided, multiple submitters, no conflicts (2 of 4 stars). 3 submissions from 3 submitters: Uncertain significance (3). Last evaluated 2024-07-06.

Conditions:
Colorectal cancer, susceptibility to, 1. Also called: COLORECTAL ADENOMA AND CANCER, SUSCEPTIBILITY TO; COLORECTAL CANCER, SUSCEPTIBILITY TO, ON CHROMOSOME 9. Identifiers: MedGen C1837315, MONDO:0012132, OMIM 608812.

Allele frequency attached by ClinVar (database versions not stated): gnomAD 0.00012 and 0.00013; TOPMed 0.00016.
gnomAD v4.1: 24 of 1,121,828 alleles (0.0021%); highest among the groups gnomAD compares: African/African-American, 0.04%; no homozygotes.

Submissions (3):

Ambry Genetics
Classification: Uncertain significance. Last evaluated: 2024-07-06. Review status: criteria provided, single submitter. Criteria: Ambry Variant Classification Scheme 2023. Collection method: clinical testing. Allele origin: germline.
Comment: The p.G32W variant (also known as c.94G>T), located in coding exon 1 of the GALNT12 gene, results from a G to T substitution at nucleotide position 94. The glycine at codon 32 is replaced by tryptophan, an amino acid with highly dissimilar properties. This amino acid position is well conserved in available vertebrate species. In addition, this alteration is predicted to be tolerated by in silico analysis. The evidence for this gene-disease relationship is limited; therefore, the clinical significance of this alteration is unclear.

Labcorp Genetics (formerly Invitae), Labcorp
Classification: Uncertain significance. Last evaluated: 2024-02-22. Review status: criteria provided, single submitter. Criteria: Invitae Variant Classification Sherloc (09022015). Collection method: clinical testing. Allele origin: germline.
Comment: This sequence change replaces glycine, which is neutral and non-polar, with tryptophan, which is neutral and slightly polar, at codon 32 of the GALNT12 protein (p.Gly32Trp). This variant is present in population databases (no rsID available, gnomAD 0.04%). This variant has not been reported in the literature in individuals affected with GALNT12-related conditions. ClinVar contains an entry for this variant (Variation ID: 640134). An algorithm developed to predict the effect of missense changes on protein structure and function (PolyPhen-2) suggests that this variant is likely to be tolerated. In summary, the available evidence is currently insufficient to determine the role of this variant in disease. Therefore, it has been classified as a Variant of Uncertain Significance.

Baylor Genetics
Classification: Uncertain significance for Colorectal cancer, susceptibility to, 1. Last evaluated: 2024-01-09. Review status: criteria provided, single submitter. Criteria: ACMG Guidelines, 2015. Collection method: clinical testing. Allele origin: unknown.

NM_024642.5(GALNT12):c.94G>T (p.Gly32Trp)

Genes: GALNT12 (polypeptide N-acetylgalactosaminyltransferase 12; plus strand), LOC130002222 (ATAC-STARR-seq lymphoblastoid silent region 20123; plus strand). Cytogenetic location: 9q22.33.
Variant type: single nucleotide variant.
Coding change: c.94G>T on transcript NM_024642.5 (MANE Select); coding-DNA position 94, G replaced by T.
Protein change: p.Gly32Trp; replaces glycine 32 with tryptophan.
Molecular consequence: missense variant.
Genome position (GRCh38, 1-based): chr9:98,807,792, G>T. VCF-style: chr9-98807792-G-T. GRCh37 (hg19) VCF-style: chr9-101570074-G-T.
Other names: short protein forms G32W.
Identifiers: ClinVar variation 640134 (VCV000640134.13), dbSNP rs956810048, ClinGen allele CA196833767.